The following is an entry in ClinVar:

NM_001164508.2(NEB):c.25153C>T (p.Gln8385Ter)

Genes: NEB (nebulin; minus strand), RIF1 (replication timing regulatory factor 1; plus strand). Cytogenetic location: 2q23.3.
Variant type: single nucleotide variant.
Coding change: c.25153C>T on transcript NM_001164508.2 (MANE Select); coding-DNA position 25153, C replaced by T.
Protein change: p.Gln8385Ter; replaces glutamine 8385 with a stop codon.
Molecular consequence: nonsense.
Genome position (GRCh38, 1-based): chr2:151,490,516, G>A on the plus strand (C>T on the coding strand, the complement: NEB is on the minus strand). VCF-style: chr2-151490516-G-A. GRCh37 (hg19) VCF-style: chr2-152347030-G-A.
Other names: c.25153C>T, p.Gln8385Ter (NM_001164507.2); c.25258C>T, p.Gln8420Ter (NM_001271208.2); c.19585C>T, p.Gln6529Ter (NM_004543.5); short protein forms Q8420*, Q6529*, Q8385*.
Identifiers: ClinVar variation 3649475 (VCV003649475.2).

ClinVar aggregate classification (germline): Pathogenic (1 of 4 stars; one submission).

Conditions:
Nemaline myopathy 2 (NEM2). Also called: Nemaline myopathy 2, autosomal recessive. Identifiers: MedGen C1850569, MONDO:0009725, OMIM 256030.

Submission:

Labcorp Genetics (formerly Invitae), Labcorp
Classification: Pathogenic for Nemaline myopathy 2. Last evaluated: 2024-04-26. Review status: criteria provided, single submitter. Criteria: Invitae Variant Classification Sherloc (09022015). Collection method: clinical testing. Allele origin: germline.
Comment: This sequence change creates a premature translational stop signal (p.Gln8420*) in the NEB gene. It is expected to result in an absent or disrupted protein product. Loss-of-function variants in NEB are known to be pathogenic (PMID: 25205138). This variant is not present in population databases (gnomAD no frequency). This variant has not been reported in the literature in individuals affected with NEB-related conditions. For these reasons, this variant has been classified as Pathogenic.

Literature cited by the submitters: PubMed 25205138.